The following is an entry in ClinVar:

ClinVar aggregate classification (germline): Uncertain significance (1 of 4 stars; one submission).

Submission:

Labcorp Genetics (formerly Invitae), Labcorp
Classification: Uncertain significance. Last evaluated: 2022-08-25. Review status: criteria provided, single submitter. Criteria: Invitae Variant Classification Sherloc (09022015). Collection method: clinical testing. Allele origin: germline.
Comment: In summary, the available evidence is currently insufficient to determine the role of this variant in disease. Therefore, it has been classified as a Variant of Uncertain Significance. Algorithms developed to predict the effect of sequence changes on RNA splicing suggest that this variant may create or strengthen a splice site. This variant has not been reported in the literature in individuals affected with GNAT1-related conditions. This variant is not present in population databases (gnomAD no frequency). This sequence change affects codon 149 of the GNAT1 mRNA. It is a 'silent' change, meaning that it does not change the encoded amino acid sequence of the GNAT1 protein.

NM_144499.3(GNAT1):c.447C>G (p.Gly149=)

Gene: GNAT1 (G protein subunit alpha transducin 1; plus strand). Cytogenetic location: 3p21.31.
Variant type: single nucleotide variant.
Coding change: c.447C>G on transcript NM_144499.3 (MANE Select); coding-DNA position 447, C replaced by G.
Protein change: p.Gly149=; no amino-acid change (glycine 149 retained).
Molecular consequence: synonymous variant.
Genome position (GRCh38, 1-based): chr3:50,193,661, C>G. VCF-style: chr3-50193661-C-G. GRCh37 (hg19) VCF-style: chr3-50231094-C-G.
Other names: c.447C>G, p.Gly149= (NM_000172.4).
Identifiers: ClinVar variation 2027124 (VCV002027124.4), dbSNP rs2546145007, ClinGen allele CA433860460.